The following is an entry in ClinVar:

ClinVar aggregate classification (germline): Uncertain significance (1 of 4 stars; one submission).

Submission:

GeneDx
Classification: Uncertain significance. Last evaluated: 2023-03-03. Review status: criteria provided, single submitter. Criteria: GeneDx Variant Classification Process June 2021. Collection method: clinical testing. Allele origin: germline. Affected: yes.
Comment: Not observed at significant frequency in large population cohorts (gnomAD); In silico analysis supports that this missense variant has a deleterious effect on protein structure/function; Has not been previously published as pathogenic or benign to our knowledge

NM_001291415.2(KDM6A):c.2635A>G (p.Thr879Ala)

Gene: KDM6A (lysine demethylase 6A; plus strand). Cytogenetic location: Xp11.3.
Variant type: single nucleotide variant.
Coding change: c.2635A>G on transcript NM_001291415.2 (MANE Select); coding-DNA position 2635, A replaced by G.
Protein change: p.Thr879Ala; replaces threonine 879 with alanine.
Molecular consequence: missense variant. On other transcripts: non-coding transcript variant (1).
Genome position (GRCh38, 1-based): chrX:45,070,134, A>G. VCF-style: chrX-45070134-A-G. GRCh37 (hg19) VCF-style: chrX-44929379-A-G.
Other names: c.2500A>G, p.Thr834Ala (NM_001291416.2, NM_001419811.1); c.2344A>G, p.Thr782Ala (NM_001291417.2); c.2242A>G, p.Thr748Ala (NM_001291418.2, NM_001419815.1); c.1591A>G, p.Thr531Ala (NM_001291421.2); c.2377A>G, p.Thr793Ala (NM_001410742.1, NM_001419814.1); c.2635A>G, p.Thr879Ala (NM_001419809.1); c.2533A>G, p.Thr845Ala (NM_001419810.1, NM_001419813.1); c.2479A>G, p.Thr827Ala (NM_001419812.1, NM_021140.4); short protein forms T531A, T748A, T782A, T793A, T827A, T834A, T845A, T879A.
Identifiers: ClinVar variation 2578191 (VCV002578191.1), dbSNP rs2148052192, ClinGen allele CA412795155.